The following is an entry in ClinVar:

ClinVar aggregate classification (germline): Likely benign. Review status: criteria provided, multiple submitters, no conflicts (2 of 4 stars). 5 submissions from 5 submitters: Likely benign (4). 1 of the submissions does not count toward it. Last evaluated 2025-05-30.

Conditions:
OTOGL-related disorder. Also called: OTOGL-related condition.

Allele frequency attached by ClinVar (database versions not stated): gnomAD exomes 0.00004 and 0.00014; ExAC 0.00013; ESP Exome Variant Server 0.00016; gnomAD 0.00030 and 0.00032; TOPMed 0.00043; 1000 Genomes Project 0.00060; 1000 Genomes Project 30x 0.00062.
gnomAD v4.1: 114 of 1,613,208 alleles (0.0071%); highest among the groups gnomAD compares: African/African-American, 0.083%; no homozygotes.

Submissions (5):

Labcorp Genetics (formerly Invitae), Labcorp
Classification: Likely benign. Last evaluated: 2025-05-30. Review status: criteria provided, single submitter. Criteria: Invitae Variant Classification Sherloc (09022015). Collection method: clinical testing. Allele origin: germline.

Mayo Clinic Laboratories, Mayo Clinic
Classification: Likely benign. Last evaluated: 2025-03-21. Review status: criteria provided, single submitter. Criteria: ACMG Guidelines, 2015. Collection method: clinical testing. Allele origin: germline. Observed: 1 variant allele.
Comment: BS1_supporting, BP4, BP7

Blueprint Genetics
Classification: Likely benign. Last evaluated: 2024-04-16. Review status: criteria provided, single submitter. Criteria: ACMG Guidelines, 2015. Collection method: clinical testing. Allele origin: germline.

Laboratory for Molecular Medicine, Mass General Brigham Personalized Medicine
Classification: Likely benign. Last evaluated: 2015-05-17. Review status: criteria provided, single submitter. Criteria: LMM Criteria. Collection method: clinical testing. Allele origin: germline. Observed: 1 variant allele.
Comment: Asn867Asn in exon 23 of OTOGL: This variant is not expected to have clinical sig nificance because it does not alter an amino acid residue and is not located wit hin the splice consensus sequence. It has been identified in 9/9790 African chro mosomes by the Exome Aggregation Consortium (ExAC, g; dbSNP rs371565107).

PreventionGenetics, part of Exact Sciences
Classification: Likely benign for OTOGL-related condition. Last evaluated: 2019-02-19. Review status: no assertion criteria provided. Collection method: clinical testing. Allele origin: germline. Not counted in ClinVar's aggregate classification.
Comment: This variant is classified as likely benign based on ACMG/AMP sequence variant interpretation guidelines (Richards et al. 2015 PMID: 25741868, with internal and published modifications).

NM_001378609.3(OTOGL):c.2628C>T (p.Asn876=)

Gene: OTOGL (otogelin like; plus strand). Cytogenetic location: 12q21.31.
Variant type: single nucleotide variant.
Coding change: c.2628C>T on transcript NM_001378609.3 (MANE Select); coding-DNA position 2628, C replaced by T.
Protein change: p.Asn876=; no amino-acid change (asparagine 876 retained).
Molecular consequence: synonymous variant.
Genome position (GRCh38, 1-based): chr12:80,271,757, C>T. VCF-style: chr12-80271757-C-T. GRCh37 (hg19) VCF-style: chr12-80665537-C-T.
Other names: p.Asn867=; c.2628C>T, p.Asn876= (NM_001368062.3, NM_001378610.3, NM_173591.7).
Identifiers: ClinVar variation 227816 (VCV000227816.14), dbSNP rs371565107, ClinGen allele CA6700859.